The following is an entry in ClinVar:

NM_001370100.5(ZMYND11):c.929T>G (p.Phe310Cys)

Gene: ZMYND11 (zinc finger MYND-type containing 11; plus strand). Cytogenetic location: 10p15.3.
Variant type: single nucleotide variant.
Coding change: c.929T>G on transcript NM_001370100.5 (MANE Select); coding-DNA position 929, T replaced by G.
Protein change: p.Phe310Cys; replaces phenylalanine 310 with cysteine.
Molecular consequence: missense variant. On other transcripts: non-coding transcript variant (1).
Genome position (GRCh38, 1-based): chr10:242,118, T>G. VCF-style: chr10-242118-T-G. GRCh37 (hg19) VCF-style: chr10-288058-T-G.
Other names: c.767T>G, p.Phe256Cys (NM_001202464.3, NM_001202467.1, NM_001370103.2 and 6 more transcripts); c.674T>G, p.Phe225Cys (NM_001202465.3, NM_001370110.2); c.764T>G, p.Phe255Cys (NM_001202466.3, NM_001370111.2); c.929T>G, p.Phe310Cys (NM_001202468.1, NM_001370097.3, NM_001370098.2 and 5 more transcripts); c.878T>G, p.Phe293Cys (NM_001330057.3, NM_001370112.2); c.572T>G, p.Phe191Cys (NM_001370123.2); c.458T>G, p.Phe153Cys (NM_001370124.3); c.926T>G, p.Phe309Cys (NM_212479.4, NM_001370115.2); and 7 more; short protein forms F310C, F153C, F191C, F256C, F270C, F279C, F293C, F225C.
Identifiers: ClinVar variation 521257 (VCV000521257.5), dbSNP rs1554790212, ClinGen allele CA375817109.

ClinVar aggregate classification (germline): Uncertain significance. Review status: criteria provided, multiple submitters, no conflicts (2 of 4 stars). 2 submissions from 2 submitters: Uncertain significance (2). Last evaluated 2020-02-12.

Conditions:
Inborn genetic diseases. Identifiers: MedGen C0950123, MeSH D030342.
Intellectual developmental disorder, autosomal dominant 30, with speech delay and behavioral abnormalities. Also called: Intellectual disability, autosomal dominant 30. Identifiers: Orphanet 436151, MedGen C4015167, MONDO:0014486, OMIM 616083.

Submissions (2):

Baylor Genetics
Classification: Uncertain significance for Intellectual developmental disorder, autosomal dominant 30, with speech delay and behavioral abnormalities. Last evaluated: 2020-02-12. Review status: criteria provided, single submitter. Criteria: ACMG Guidelines, 2015. Collection method: clinical testing. Allele origin: unknown. Affected: yes.
Comment: This variant was determined to be of uncertain significance according to ACMG Guidelines, 2015 [PMID:25741868].

Ambry Genetics
Classification: Uncertain significance for Inborn genetic diseases. Last evaluated: 2016-08-22. Review status: criteria provided, single submitter. Criteria: Ambry exome assertion method (8-5-2015). Collection method: clinical testing. Allele origin: germline. Affected: yes. Observed: 1 variant allele.